The following is an entry in ClinVar:

ClinVar aggregate classification (germline): Uncertain significance. Review status: criteria provided, multiple submitters, no conflicts (2 of 4 stars). 2 submissions from 2 submitters: Uncertain significance (2). Last evaluated 2026-02-23.

Conditions:
Inborn genetic diseases. Identifiers: MedGen C0950123, MeSH D030342.

gnomAD v4.1: 1 of 1,588,866 alleles (0.000063%); highest among the groups gnomAD compares: Admixed American, 0.0019%; no homozygotes.

Submissions (2):

Ambry Genetics
Classification: Uncertain significance for Inborn genetic diseases. Last evaluated: 2026-02-23. Review status: criteria provided, single submitter. Criteria: Ambry Variant Classification Scheme 2023. Collection method: clinical testing. Allele origin: germline.

Labcorp Genetics (formerly Invitae), Labcorp
Classification: Uncertain significance. Last evaluated: 2024-10-23. Review status: criteria provided, single submitter. Criteria: Invitae Variant Classification Sherloc (09022015). Collection method: clinical testing. Allele origin: germline.
Comment: This sequence change replaces aspartic acid, which is acidic and polar, with valine, which is neutral and non-polar, at codon 192 of the TNNI3K protein (p.Asp192Val). This variant is present in population databases (rs184881523, gnomAD 0.004%). This variant has not been reported in the literature in individuals affected with TNNI3K-related conditions. Invitae Evidence Modeling of protein sequence and biophysical properties (such as structural, functional, and spatial information, amino acid conservation, physicochemical variation, residue mobility, and thermodynamic stability) has been performed for this missense variant. However, the output from this modeling did not meet the statistical confidence thresholds required to predict the impact of this variant on TNNI3K protein function. In summary, the available evidence is currently insufficient to determine the role of this variant in disease. Therefore, it has been classified as a Variant of Uncertain Significance.

NM_015978.3(TNNI3K):c.575A>T (p.Asp192Val)

Genes: TNNI3K (TNNI3 interacting kinase; plus strand), FPGT-TNNI3K (FPGT-TNNI3K readthrough; plus strand). Cytogenetic location: 1p31.1.
Variant type: single nucleotide variant.
Coding change: c.575A>T on transcript NM_015978.3 (MANE Select); coding-DNA position 575, A replaced by T.
Protein change: p.Asp192Val; replaces aspartic acid 192 with valine.
Molecular consequence: missense variant.
Genome position (GRCh38, 1-based): chr1:74,336,042, A>T. VCF-style: chr1-74336042-A-T. GRCh37 (hg19) VCF-style: chr1-74801726-A-T.
Other names: c.575A>T (NM_015978.2); c.878A>T, p.Asp293Val (NM_001112808.3, NM_001199327.2); short protein forms D293V, D192V.
Identifiers: ClinVar variation 3652074 (VCV003652074.3).